The following is an entry in ClinVar:

ClinVar aggregate classification (germline): Uncertain significance (1 of 4 stars; one submission).

gnomAD v4.1: 1 of 1,551,990 alleles (0.000064%); highest among the groups gnomAD compares: Non-Finnish European, 0.000087%; no homozygotes.

Submission:

Labcorp Genetics (formerly Invitae), Labcorp
Classification: Uncertain significance. Last evaluated: 2024-02-23. Review status: criteria provided, single submitter. Criteria: Invitae Variant Classification Sherloc (09022015). Collection method: clinical testing. Allele origin: germline.
Comment: This sequence change replaces proline, which is neutral and non-polar, with serine, which is neutral and polar, at codon 446 of the DTHD1 protein (p.Pro446Ser). This variant is not present in population databases (gnomAD no frequency). This variant has not been reported in the literature in individuals affected with DTHD1-related conditions. Algorithms developed to predict the effect of missense changes on protein structure and function output the following: SIFT: "Not Available"; PolyPhen-2: "Possibly Damaging"; Align-GVGD: "Not Available". The serine amino acid residue is found in multiple mammalian species, which suggests that this missense change does not adversely affect protein function. In summary, the available evidence is currently insufficient to determine the role of this variant in disease. Therefore, it has been classified as a Variant of Uncertain Significance.

NM_001170700.3(DTHD1):c.2206C>T (p.Pro736Ser)

Gene: DTHD1 (death domain containing 1; plus strand). Cytogenetic location: 4p14.
Variant type: single nucleotide variant.
Coding change: c.2206C>T on transcript NM_001170700.3 (MANE Select); coding-DNA position 2206, C replaced by T.
Protein change: p.Pro736Ser; replaces proline 736 with serine.
Molecular consequence: missense variant. On other transcripts: non-coding transcript variant (2).
Genome position (GRCh38, 1-based): chr4:36,316,352, C>T. VCF-style: chr4-36316352-C-T. GRCh37 (hg19) VCF-style: chr4-36317974-C-T.
Other names: c.1336C>T, p.Pro446Ser (NM_001136536.5); c.1273C>T, p.Pro425Ser (NM_001378435.1); short protein forms P425S, P446S, P736S.
Identifiers: ClinVar variation 3709900 (VCV003709900.2).
Genomic context (GRCh38, chr4:36,316,352, plus strand): 5'-AGAAAACCTAGGCTGGAACTCCAAATCAAAGAAGTGGACGAATTTGGAAACTATAGTTGC[C>T]CTCATTACAAAGGCACCATTGTCGTTTATAAAGTACCTAAAGGAAAGATAGTCCCCAACT-3'
Protein context (NP_001164171.2, residues 726-746): EVDEFGNYSC[Pro736Ser]HYKGTIVVYK